The following is an entry in ClinVar:

ClinVar aggregate classification (germline): Uncertain significance. Review status: criteria provided, multiple submitters, no conflicts (2 of 4 stars). 2 submissions from 2 submitters: Uncertain significance (2). Last evaluated 2023-04-25.

Conditions:
Branchiootic syndrome 3 (BOS3). Also called: BO SYNDROME 3. Identifiers: MedGen C1842124, MONDO:0012025, OMIM 608389.
Autosomal dominant nonsyndromic hearing loss 23. Identifiers: Orphanet 90635, MedGen C1854594, MONDO:0011519, OMIM 605192.

Allele frequency attached by ClinVar (database versions not stated): gnomAD exomes below 0.00001.
gnomAD v4.1: 1 of 1,612,808 alleles (0.000062%); highest among the groups gnomAD compares: East Asian, 0.0022%; no homozygotes.

Submissions (2):

Labcorp Genetics (formerly Invitae), Labcorp
Classification: Uncertain significance for Autosomal dominant nonsyndromic hearing loss 23; Branchiootic syndrome 3. Last evaluated: 2023-04-25. Review status: criteria provided, single submitter. Criteria: Invitae Variant Classification Sherloc (09022015). Collection method: clinical testing. Allele origin: germline.
Comment: This sequence change replaces valine, which is neutral and non-polar, with methionine, which is neutral and non-polar, at codon 280 of the SIX1 protein (p.Val280Met). In summary, the available evidence is currently insufficient to determine the role of this variant in disease. Therefore, it has been classified as a Variant of Uncertain Significance. An algorithm developed to predict the effect of missense changes on protein structure and function (PolyPhen-2) suggests that this variant is likely to be disruptive. ClinVar contains an entry for this variant (Variation ID: 1201522). This variant has not been reported in the literature in individuals affected with SIX1-related conditions. This variant is not present in population databases (gnomAD no frequency).

GeneDx
Classification: Uncertain significance. Last evaluated: 2019-07-09. Review status: criteria provided, single submitter. Criteria: GeneDx Variant Classification Process June 2021. Collection method: clinical testing. Allele origin: germline. Affected: yes.
Comment: Not observed in large population cohorts (Lek et al., 2016); In silico analysis, which includes protein predictors and evolutionary conservation, supports that this variant does not alter protein structure/function; Has not been previously published as pathogenic or benign to our knowledge

NM_005982.4(SIX1):c.838G>A (p.Val280Met)

Gene: SIX1 (SIX homeobox 1; minus strand). Cytogenetic location: 14q23.1.
Variant type: single nucleotide variant.
Coding change: c.838G>A on transcript NM_005982.4 (MANE Select); coding-DNA position 838, G replaced by A.
Protein change: p.Val280Met; replaces valine 280 with methionine.
Molecular consequence: missense variant.
Genome position (GRCh38, 1-based): chr14:60,646,300, C>T on the plus strand (G>A on the coding strand, the complement: SIX1 is on the minus strand). VCF-style: chr14-60646300-C-T. GRCh37 (hg19) VCF-style: chr14-61113018-C-T.
Other names: short protein forms V280M.
Identifiers: ClinVar variation 1201522 (VCV001201522.6), dbSNP rs2140239343, ClinGen allele CA389909446.